The following is an entry in ClinVar:

NM_024105.4(ALG12):c.1467A>C (p.Ter489Cys)

Gene: ALG12 (ALG12 alpha-1,6-mannosyltransferase; minus strand). Cytogenetic location: 22q13.33.
Variant type: single nucleotide variant.
Coding change: c.1467A>C on transcript NM_024105.4 (MANE Select); coding-DNA position 1467, A replaced by C.
Protein change: p.Ter489Cys.
Molecular consequence: stop lost.
Genome position (GRCh38, 1-based): chr22:49,903,838, T>G on the plus strand (A>C on the coding strand, the complement: ALG12 is on the minus strand). VCF-style: chr22-49903838-T-G. GRCh37 (hg19) VCF-style: chr22-50297486-T-G.
Identifiers: ClinVar variation 1989647 (VCV001989647.4), dbSNP rs2060527471, ClinGen allele CA412071389.

ClinVar aggregate classification (germline): Uncertain significance (1 of 4 stars; one submission).

Conditions:
ALG12-congenital disorder of glycosylation (CDG1G). Also called: ALG12-CDG; CDG Ig; Congenital disorder of glycosylation, type Ig. Identifiers: Orphanet 79324, MedGen C2931001, MONDO:0011783, OMIM 607143.

Allele frequency attached by ClinVar (database versions not stated): gnomAD exomes below 0.00001.

Submission:

Labcorp Genetics (formerly Invitae), Labcorp
Classification: Uncertain significance for ALG12-congenital disorder of glycosylation. Last evaluated: 2022-04-29. Review status: criteria provided, single submitter. Criteria: Invitae Variant Classification Sherloc (09022015). Collection method: clinical testing. Allele origin: germline.
Comment: This sequence change disrupts the translational stop signal of the ALG12 mRNA. It is expected to extend the length of the ALG12 protein by 29 additional amino acid residues. This variant is not present in population databases (gnomAD no frequency). In summary, the available evidence is currently insufficient to determine the role of this variant in disease. Therefore, it has been classified as a Variant of Uncertain Significance. This variant has not been reported in the literature in individuals affected with ALG12-related conditions.